The following is an entry in ClinVar:

ClinVar aggregate classification (germline): Uncertain significance. Review status: criteria provided, multiple submitters, no conflicts (2 of 4 stars). 2 submissions from 2 submitters: Uncertain significance (2). Last evaluated 2024-09-11.

gnomAD v4.1: 4 of 1,614,110 alleles (0.00025%); highest among the groups gnomAD compares: South Asian, 0.0011%; no homozygotes.

Submissions (2):

Ambry Genetics
Classification: Uncertain significance. Last evaluated: 2024-09-11. Review status: criteria provided, single submitter. Criteria: Ambry Variant Classification Scheme 2023. Collection method: clinical testing. Allele origin: germline.
Comment: The p.Y945C variant (also known as c.2834A>G), located in coding exon 23 of the A2ML1 gene, results from an A to G substitution at nucleotide position 2834. The tyrosine at codon 945 is replaced by cysteine, an amino acid with highly dissimilar properties. This amino acid position is conserved. In addition, this alteration is predicted to be tolerated by in silico analysis. Based on the available evidence, the clinical significance of this variant remains unclear.

Labcorp Genetics (formerly Invitae), Labcorp
Classification: Uncertain significance. Last evaluated: 2022-04-28. Review status: criteria provided, single submitter. Criteria: Invitae Variant Classification Sherloc (09022015). Collection method: clinical testing. Allele origin: germline.
Comment: Algorithms developed to predict the effect of missense changes on protein structure and function are either unavailable or do not agree on the potential impact of this missense change (SIFT: "Tolerated"; PolyPhen-2: "Possibly Damaging"; Align-GVGD: "Class C0"). This variant has not been reported in the literature in individuals affected with A2ML1-related conditions. This variant is present in population databases (rs375843284, gnomAD 0.003%). This sequence change replaces tyrosine, which is neutral and polar, with cysteine, which is neutral and slightly polar, at codon 945 of the A2ML1 protein (p.Tyr945Cys). In summary, the available evidence is currently insufficient to determine the role of this variant in disease. Therefore, it has been classified as a Variant of Uncertain Significance.

NM_144670.6(A2ML1):c.2834A>G (p.Tyr945Cys)

Gene: A2ML1 (alpha-2-macroglobulin like 1; plus strand). Cytogenetic location: 12p13.31.
Variant type: single nucleotide variant.
Coding change: c.2834A>G on transcript NM_144670.6 (MANE Select); coding-DNA position 2834, A replaced by G.
Protein change: p.Tyr945Cys; replaces tyrosine 945 with cysteine.
Molecular consequence: missense variant.
Genome position (GRCh38, 1-based): chr12:8,855,578, A>G. VCF-style: chr12-8855578-A-G. GRCh37 (hg19) VCF-style: chr12-9008174-A-G.
Other names: c.2834A>G (NM_144670.3); c.1361A>G, p.Tyr454Cys (NM_001282424.3); short protein forms Y454C, Y945C.
Identifiers: ClinVar variation 2085353 (VCV002085353.5), dbSNP rs375843284, ClinGen allele CA6436157.